The following is an entry in ClinVar:

ClinVar aggregate classification (germline): Uncertain significance (1 of 4 stars; one submission).

Conditions:
Familial hemophagocytic lymphohistiocytosis 5. Also called: STXBP2-Related Familial Hemophagocytic Lymphohistiocytosis (STXBP2-fHLH). Identifiers: Orphanet 540, MedGen C2751293, MONDO:0013135, OMIM 613101.

Allele frequency attached by ClinVar (database versions not stated): gnomAD 0.00001; TOPMed 0.00002; ExAC 0.00003.
gnomAD v4.1: 32 of 1,613,344 alleles (0.002%); highest among the groups gnomAD compares: South Asian, 0.0055%; no homozygotes.

Submission:

Labcorp Genetics (formerly Invitae), Labcorp
Classification: Uncertain significance for Familial hemophagocytic lymphohistiocytosis 5. Last evaluated: 2024-10-16. Review status: criteria provided, single submitter. Criteria: Invitae Variant Classification Sherloc (09022015). Collection method: clinical testing. Allele origin: germline.
Comment: This sequence change replaces arginine, which is basic and polar, with tryptophan, which is neutral and slightly polar, at codon 64 of the STXBP2 protein (p.Arg64Trp). This variant is present in population databases (rs764937841, gnomAD 0.007%). This variant has not been reported in the literature in individuals affected with STXBP2-related conditions. ClinVar contains an entry for this variant (Variation ID: 1037354). Invitae Evidence Modeling of protein sequence and biophysical properties (such as structural, functional, and spatial information, amino acid conservation, physicochemical variation, residue mobility, and thermodynamic stability) has been performed for this missense variant. However, the output from this modeling did not meet the statistical confidence thresholds required to predict the impact of this variant on STXBP2 protein function. In summary, the available evidence is currently insufficient to determine the role of this variant in disease. Therefore, it has been classified as a Variant of Uncertain Significance.

NM_006949.4(STXBP2):c.190C>T (p.Arg64Trp)

Gene: STXBP2 (syntaxin binding protein 2; plus strand). Cytogenetic location: 19p13.2.
Variant type: single nucleotide variant.
Coding change: c.190C>T on transcript NM_006949.4 (MANE Select); coding-DNA position 190, C replaced by T.
Protein change: p.Arg64Trp; replaces arginine 64 with tryptophan.
Molecular consequence: missense variant. On other transcripts: non-coding transcript variant (1).
Genome position (GRCh38, 1-based): chr19:7,639,751, C>T. VCF-style: chr19-7639751-C-T. GRCh37 (hg19) VCF-style: chr19-7704637-C-T.
Other names: c.190C>T, p.Arg64Trp (NM_001127396.3, NM_001272034.2); short protein forms R64W.
Identifiers: ClinVar variation 1037354 (VCV001037354.5), dbSNP rs764937841, ClinGen allele CA9143164.